The following is an entry in ClinVar:

ClinVar aggregate classification (germline): Uncertain significance (1 of 4 stars; one submission).

Conditions:
Early-infantile DEE. Also called: Ohtahara syndrome; Early infantile epileptic encephalopathy with suppression bursts; Early infantile epileptic encephalopathy. Identifiers: Orphanet 1934, MedGen C0393706, MONDO:0800491.

gnomAD v4.1: 5 of 1,613,420 alleles (0.00031%); highest among the groups gnomAD compares: African/African-American, 0.004%; no homozygotes.

Submission:

Labcorp Genetics (formerly Invitae), Labcorp
Classification: Uncertain significance for Early-infantile DEE. Last evaluated: 2024-09-10. Review status: criteria provided, single submitter. Criteria: Invitae Variant Classification Sherloc (09022015). Collection method: clinical testing. Allele origin: germline.
Comment: This sequence change replaces glutamic acid, which is acidic and polar, with glutamine, which is neutral and polar, at codon 910 of the SPTAN1 protein (p.Glu910Gln). This variant is not present in population databases (gnomAD no frequency). This variant has not been reported in the literature in individuals affected with SPTAN1-related conditions. Invitae Evidence Modeling of protein sequence and biophysical properties (such as structural, functional, and spatial information, amino acid conservation, physicochemical variation, residue mobility, and thermodynamic stability) has been performed for this missense variant. However, the output from this modeling did not meet the statistical confidence thresholds required to predict the impact of this variant on SPTAN1 protein function. In summary, the available evidence is currently insufficient to determine the role of this variant in disease. Therefore, it has been classified as a Variant of Uncertain Significance.

NM_001130438.3(SPTAN1):c.2728G>C (p.Glu910Gln)

Gene: SPTAN1 (spectrin alpha, non-erythrocytic 1; plus strand). Cytogenetic location: 9q34.11.
Variant type: single nucleotide variant.
Coding change: c.2728G>C on transcript NM_001130438.3 (MANE Select); coding-DNA position 2728, G replaced by C.
Protein change: p.Glu910Gln; replaces glutamic acid 910 with glutamine.
Molecular consequence: missense variant.
Genome position (GRCh38, 1-based): chr9:128,585,915, G>C. VCF-style: chr9-128585915-G-C. GRCh37 (hg19) VCF-style: chr9-131348194-G-C.
Other names: c.2728G>C, p.Glu910Gln (NM_001195532.2, NM_001363759.2, NM_001363765.2 and 5 more transcripts); c.2764G>C, p.Glu922Gln (NM_001375312.2, NM_001375318.1); short protein forms E910Q, E922Q.
Identifiers: ClinVar variation 3691727 (VCV003691727.2).